The following is an entry in ClinVar:

ClinVar aggregate classification (germline): Likely benign (1 of 4 stars; one submission).

Conditions:
ARID1B-Related Disorder. Identifiers: MedGen CN381337.

gnomAD v4.1: 7 of 1,612,580 alleles (0.00043%); highest among the groups gnomAD compares: African/African-American, 0.008%; no homozygotes.

Submission:

PreventionGenetics, part of Exact Sciences
Classification: Likely benign for ARID1B-related condition. Last evaluated: 2026-06-04. Review status: criteria provided, single submitter. Criteria: ACMG Guidelines, 2015. Collection method: clinical testing. Allele origin: germline.
Comment: This variant is classified as likely benign based on ACMG/AMP sequence variant interpretation guidelines (Richards et al. 2015 PMID: 25741868, with internal and published modifications).

NM_001374828.1(ARID1B):c.3144C>A (p.Pro1048=)

Gene: ARID1B (AT-rich interaction domain 1B; plus strand). Cytogenetic location: 6q25.3.
Variant type: single nucleotide variant.
Coding change: c.3144C>A on transcript NM_001374828.1 (MANE Select); coding-DNA position 3144, C replaced by A.
Protein change: p.Pro1048=; no amino-acid change (proline 1048 retained).
Molecular consequence: synonymous variant.
Genome position (GRCh38, 1-based): chr6:157,167,094, C>A. VCF-style: chr6-157167094-C-A. GRCh37 (hg19) VCF-style: chr6-157488228-C-A.
Other names: c.2934C>A (NM_020732.3); c.645C>A, p.Pro215= (NM_001363725.2, NM_001438488.1); c.3183C>A, p.Pro1061= (NM_001371656.1, NM_001374820.1); c.3273C>A, p.Pro1091= (NM_001438482.1); c.3186C>A, p.Pro1062= (NM_001438483.1, NM_001438486.1); c.3054C>A, p.Pro1018= (NM_001438485.1); c.2964C>A, p.Pro988= (NM_001438487.1); c.3144C>A, p.Pro1048= (NM_017519.3).
Identifiers: ClinVar variation 4997205 (VCV004997205.1).
Genomic context (GRCh38, chr6:157,167,094, plus strand): 5'-CTGTAGGCAAGGCAGTTTCCCCGGCATGAACCAGAGTGGACTTATGGCTTCCAGCTCTCC[C>A]TACAGCCAGCCCATGAACAACAGCTCTAGCCTGATGAACACGCAGGCGCCGCCCTACAGC-3'
Protein context (NP_001361757.1, residues 1038-1058): NQSGLMASSS[Pro1048=]YSQPMNNSSS